The following is an entry in ClinVar:

NM_006343.3(MERTK):c.1867+1G>A

Gene: MERTK (MER proto-oncogene, tyrosine kinase; plus strand). Cytogenetic location: 2q13.
Variant type: single nucleotide variant.
Coding change: c.1867+1G>A on transcript NM_006343.3 (MANE Select); the canonical splice donor site of the intron after coding-DNA position 1867, G replaced by A.
Molecular consequence: splice donor variant.
Genome position (GRCh38, 1-based): chr2:112,003,985, G>A. VCF-style: chr2-112003985-G-A. GRCh37 (hg19) VCF-style: chr2-112761562-G-A.
Identifiers: ClinVar variation 4795882 (VCV004795882.2).

ClinVar aggregate classification (germline): Likely pathogenic. Review status: criteria provided, multiple submitters, no conflicts (2 of 4 stars). 2 submissions from 2 submitters: Likely pathogenic (2). Last evaluated 2026-02-06.

Conditions:
Retinitis pigmentosa 38 (RP38). Also called: ROD-CONE DYSTROPHY, CHILDHOOD-ONSET. Identifiers: Orphanet 791, MedGen C3151228, MONDO:0013469, OMIM 613862.
MERTK-related disorder. Also called: MERTK-related condition.

gnomAD v4.1: 3 of 1,610,614 alleles (0.00019%); highest among the groups gnomAD compares: African/African-American, 0.0027%; no homozygotes.

Submissions (2):

Genetic Diseases Diagnosis Center, Ankara Bilkent City Hospital
Classification: Likely pathogenic for Retinitis pigmentosa 38. Last evaluated: 2026-02-06. Review status: criteria provided, single submitter. Criteria: ACMG Guidelines, 2015. Collection method: clinical testing. Allele origin: germline. Inheritance: Autosomal recessive inheritance. Affected: yes. Observed: 1 compound heterozygote.
Comment: The variant MERTK (NM_006343.3): c.1867+1G>A affects the canonical splice donor site and is predicted to result in aberrant splicing leading to loss of normal protein function. Loss of function is a well-established disease mechanism for MERTK, which is associated with autosomal recessive retinal dystrophy. Therefore, this variant meets PVS1 (very strong evidence of pathogenicity). This variant is absent from population databases, including gnomAD and other large-scale control cohorts, supporting PM2 (moderate evidence of pathogenicity). Based on the ACMG/AMP guidelines, the combination of PVS1 + PM2 supports classification of this variant as Likely Pathogenic.

Blueprint Genetics
Classification: Likely pathogenic for MERTK-related disorders. Last evaluated: 2021-06-30. Review status: criteria provided, single submitter. Criteria: ACMG Guidelines, 2015. Collection method: clinical testing. Allele origin: germline. Affected: yes. Observed: 1 variant allele.